The following is an entry in ClinVar:

NM_001127208.3(TET2):c.2557C>T (p.Leu853Phe)

Genes: TET2 (tet methylcytosine dioxygenase 2; plus strand), TET2-AS1 (TET2 antisense RNA 1; minus strand). Cytogenetic location: 4q24.
Variant type: single nucleotide variant.
Coding change: c.2557C>T on transcript NM_001127208.3 (MANE Select); coding-DNA position 2557, C replaced by T.
Protein change: p.Leu853Phe; replaces leucine 853 with phenylalanine.
Molecular consequence: missense variant.
Genome position (GRCh38, 1-based): chr4:105,236,499, C>T. VCF-style: chr4-105236499-C-T. GRCh37 (hg19) VCF-style: chr4-106157656-C-T.
Other names: c.2557C>T, p.Leu853Phe (NM_017628.4); short protein forms L853F.
Identifiers: ClinVar variation 4182950 (VCV004182950.1).

ClinVar aggregate classification (germline): Uncertain significance (1 of 4 stars; one submission).

Submission:

Ambry Genetics
Classification: Uncertain significance. Last evaluated: 2025-07-06. Review status: criteria provided, single submitter. Criteria: Ambry Variant Classification Scheme 2023. Collection method: clinical testing. Allele origin: germline.
Comment: The p.L853F variant (also known as c.2557C>T), located in coding exon 1 of the TET2 gene, results from a C to T substitution at nucleotide position 2557. The leucine at codon 853 is replaced by phenylalanine, an amino acid with highly similar properties. This amino acid position is conserved. In addition, this alteration is predicted to be tolerated by in silico analysis. Based on the available evidence, the clinical significance of this variant remains unclear.